The following is an entry in ClinVar:

ClinVar aggregate classification (germline): Likely benign (1 of 4 stars; one submission).

Conditions:
Acyl-CoA oxidase deficiency. Also called: STRAIGHT-CHAIN ACYL-CoA OXIDASE DEFICIENCY; Pseudoneonatal adrenoleukodystrophy; Peroxisomal acyl-CoA oxidase deficiency. Identifiers: Orphanet 2971, MedGen C1849678, MONDO:0009919, OMIM 264470. Disease mechanism: loss of function.

Allele frequency attached by ClinVar (database versions not stated): 1000 Genomes Project 30x 0.00375; gnomAD 0.00397 and 0.00429; 1000 Genomes Project 0.00399; TOPMed 0.00450.

Submission:

Illumina Laboratory Services, Illumina
Classification: Likely benign for Acyl-CoA oxidase deficiency. Last evaluated: 2018-01-13. Review status: criteria provided, single submitter. Criteria: ICSL Variant Classification Criteria 13 December 2019. Collection method: clinical testing. Allele origin: germline.
Comment: This variant was observed in the ICSL laboratory as part of a predisposition screen in an ostensibly healthy population. It had not been previously curated by ICSL or reported in the Human Gene Mutation Database (HGMD: prior to June 1st, 2018), and was therefore a candidate for classification through an automated scoring system. Utilizing variant allele frequency, disease prevalence and penetrance estimates, and inheritance mode, an automated score was calculated to assess if this variant is too frequent to cause the disease. Based on the score and internal cut-off values, a variant classified as likely benign is not then subjected to further curation. The score for this variant resulted in a classification of likely benign for this disease.

NM_004035.7(ACOX1):c.*2575T>C

Gene: ACOX1 (acyl-CoA oxidase 1; minus strand). Cytogenetic location: 17q25.1.
Variant type: single nucleotide variant.
Coding change: c.*2575T>C on transcript NM_004035.7 (MANE Select); 2575 bases downstream of the stop codon, T replaced by C.
Molecular consequence: 3 prime UTR variant.
Genome position (GRCh38, 1-based): chr17:75,944,173, A>G on the plus strand (T>C on the coding strand, the complement: ACOX1 is on the minus strand). VCF-style: chr17-75944173-A-G. GRCh37 (hg19) VCF-style: chr17-73940254-A-G.
Other names: c.*2575T>C (NM_001185039.2, NM_007292.6).
Identifiers: ClinVar variation 891961 (VCV000891961.4), dbSNP rs115141246, ClinGen allele CA294104533.